The following is an entry in ClinVar:

ClinVar aggregate classification (germline): Likely benign. Review status: criteria provided, single submitter (1 of 4 stars). 2 submissions from 2 submitters: Likely benign (1). 1 of the submissions does not count toward it. Last evaluated 2025-12-15.

Conditions:
Nemaline myopathy 2 (NEM2). Also called: Nemaline myopathy 2, autosomal recessive. Identifiers: MedGen C1850569, MONDO:0009725, OMIM 256030.
NEB-related disorder. Also called: NEB-related condition; NEB-Related Disorders.

Allele frequency attached by ClinVar (database versions not stated): gnomAD 0.00001; gnomAD exomes 0.00002 and 0.00003; TOPMed 0.00002; ExAC 0.00003.
gnomAD v4.1: 39 of 1,572,034 alleles (0.0025%); highest among the groups gnomAD compares: Non-Finnish European, 0.0032%; no homozygotes.

Submissions (2):

Labcorp Genetics (formerly Invitae), Labcorp
Classification: Likely benign for Nemaline myopathy 2. Last evaluated: 2025-12-15. Review status: criteria provided, single submitter. Criteria: Invitae Variant Classification Sherloc (09022015). Collection method: clinical testing. Allele origin: germline.

PreventionGenetics, part of Exact Sciences
Classification: Likely benign for NEB-related condition. Last evaluated: 2019-09-11. Review status: no assertion criteria provided. Collection method: clinical testing. Allele origin: germline. Not counted in ClinVar's aggregate classification.
Comment: This variant is classified as likely benign based on ACMG/AMP sequence variant interpretation guidelines (Richards et al. 2015 PMID: 25741868, with internal and published modifications).

NM_001164508.2(NEB):c.1035+8G>A

Gene: NEB (nebulin; minus strand). Cytogenetic location: 2q23.3.
Variant type: single nucleotide variant.
Coding change: c.1035+8G>A on transcript NM_001164508.2 (MANE Select); 8 bases into the intron after coding-DNA position 1035, G replaced by A.
Molecular consequence: intron variant.
Genome position (GRCh38, 1-based): chr2:151,709,648, C>T on the plus strand (G>A on the coding strand, the complement: NEB is on the minus strand). VCF-style: chr2-151709648-C-T. GRCh37 (hg19) VCF-style: chr2-152566162-C-T.
Other names: c.1035+8G>A (NM_004543.5, NM_001164507.2, NM_001271208.2).
Identifiers: ClinVar variation 792735 (VCV000792735.12), dbSNP rs755517435, ClinGen allele CA1911713.